The following is an entry in ClinVar:

NM_000138.5(FBN1):c.1496G>T (p.Cys499Phe)

Gene: FBN1 (fibrillin 1; minus strand). Cytogenetic location: 15q21.1.
Variant type: single nucleotide variant.
Coding change: c.1496G>T on transcript NM_000138.5 (MANE Select); coding-DNA position 1496, G replaced by T.
Protein change: p.Cys499Phe; replaces cysteine 499 with phenylalanine.
Molecular consequence: missense variant.
Genome position (GRCh38, 1-based): chr15:48,513,641, C>A on the plus strand (G>T on the coding strand, the complement: FBN1 is on the minus strand). VCF-style: chr15-48513641-C-A. GRCh37 (hg19) VCF-style: chr15-48805838-C-A.
Other names: c.1496G>T, p.Cys499Phe (NM_001406716.1); short protein forms C499F.
Identifiers: ClinVar variation 3775542 (VCV003775542.1).

ClinVar aggregate classification (germline): Uncertain significance (1 of 4 stars; one submission).

Conditions:
Marfan syndrome (MFS). Also called: MARFAN SYNDROME, TYPE I; Marfan syndrome type 1; Marfan's syndrome; Marfan syndrome, classic; FBN1-Related Marfan Syndrome. Identifiers: Orphanet 284963, Orphanet 558, MedGen C0024796, MONDO:0007947, OMIM 154700.

Submission:

3billion
Classification: Uncertain significance for Marfan syndrome. Last evaluated: 2024-03-11. Review status: criteria provided, single submitter. Criteria: ACMG Guidelines, 2015. Collection method: clinical testing. Allele origin: germline. Affected: yes.
Comment: The variant is not observed in the gnomAD v2.1.1 dataset. Predicted Consequence/Location: Missense variant In silico tool predictions suggest damaging effect of the variant on gene or gene product [REVEL: 0.98 (>=0.6, sensitivity 0.68 and specificity 0.92); 3Cnet: 0.96 (>=0.6, sensitivity 0.72 and precision 0.9)]. Different missense changes at the same codon (p.Cys499Arg, p.Cys499Gly, p.Cys499Ser, p.Cys499Tyr) have been reported as pathogenic/likely pathogenic with strong evidence (ClinVar ID: VCV000155791, VCV000846906, VCV001120215 /PMID: 10486319, 18471089, 21542060, 22772377). Therefore, this variant is classified as VUS according to the recommendation of ACMG/AMP guideline.

Literature cited by the submitters: PubMed 10486319.